The following is an entry in ClinVar:

ClinVar aggregate classification (germline): Likely benign (1 of 4 stars; one submission).

Allele frequency attached by ClinVar (database versions not stated): ExAC 0.00082; 1000 Genomes Project 30x 0.00156; 1000 Genomes Project 0.00180; gnomAD 0.00226; TOPMed 0.00250; ESP Exome Variant Server 0.00300.

Submission:

CeGaT Center for Human Genetics Tuebingen
Classification: Likely benign. Last evaluated: 2023-02-01. Review status: criteria provided, single submitter. Criteria: CeGaT Center For Human Genetics Tuebingen Variant Classification Criteria Version 2. Collection method: clinical testing. Allele origin: germline. Affected: yes. Observed: 1 variant allele.
Comment: BET1L: BP4, BP7

NM_001098787.2(BET1L):c.87C>T (p.Ala29=)

Gene: BET1L (Bet1 golgi vesicular membrane trafficking protein like; minus strand). Cytogenetic location: 11p15.5.
Variant type: single nucleotide variant.
Coding change: c.87C>T on transcript NM_001098787.2 (MANE Select); coding-DNA position 87, C replaced by T.
Protein change: p.Ala29=; no amino-acid change (alanine 29 retained).
Molecular consequence: synonymous variant.
Genome position (GRCh38, 1-based): chr11:205,976, G>A on the plus strand (C>T on the coding strand, the complement: BET1L is on the minus strand). VCF-style: chr11-205976-G-A. GRCh37 (hg19) VCF-style: chr11-205976-G-A.
Other names: c.87C>T, p.Ala29= (NM_016526.5).
Identifiers: ClinVar variation 2641037 (VCV002641037.24), dbSNP rs140243895, ClinGen allele CA5770172.
Genomic context (GRCh38, chr11:205,976, plus strand): 5'-CACCAGGTGGAGGTAAGAGGACAGACCACCACTGACCGATTTGAGCCTGGTGACTTTGGA[G>A]GCCAGGCTGTCAGCCATTCGCTTGTTCTCCCGGTCTAGAATCTCTTCCACAGCGCCCGGG-3'
Protein context (NP_001092257.1, residues 19-39): RENKRMADSL[Ala29=]SKVTRLKSLA